The following is an entry in ClinVar:

ClinVar aggregate classification (germline): Pathogenic/Likely pathogenic. Review status: criteria provided, multiple submitters, no conflicts (2 of 4 stars). 2 submissions from 2 submitters: Pathogenic (1); Likely pathogenic (1). Last evaluated 2023-06-07.

Conditions:
Hermansky-Pudlak syndrome 4 (HPS4). Identifiers: Orphanet 231500, Orphanet 79430, MedGen C3484357, MONDO:0013556, OMIM 614073.

Submissions (2):

Labcorp Genetics (formerly Invitae), Labcorp
Classification: Pathogenic. Last evaluated: 2023-06-07. Review status: criteria provided, single submitter. Criteria: Invitae Variant Classification Sherloc (09022015). Collection method: clinical testing. Allele origin: germline.
Comment: This sequence change creates a premature translational stop signal (p.Glu444*) in the HPS4 gene. It is expected to result in an absent or disrupted protein product. Loss-of-function variants in HPS4 are known to be pathogenic (PMID: 12664304). For these reasons, this variant has been classified as Pathogenic. This variant has not been reported in the literature in individuals affected with HPS4-related conditions. This variant is not present in population databases (gnomAD no frequency).

Baylor Genetics
Classification: Likely pathogenic for Hermansky-Pudlak syndrome 4. Last evaluated: 2023-05-21. Review status: criteria provided, single submitter. Criteria: ACMG Guidelines, 2015. Collection method: clinical testing. Allele origin: unknown.

Literature cited by the submitters: PubMed 12664304 (cited by Labcorp Genetics (formerly Invitae), Labcorp).

NM_022081.6(HPS4):c.1330G>T (p.Glu444Ter)

Gene: HPS4 (HPS4 biogenesis of lysosomal organelles complex 3 subunit 2; minus strand). Cytogenetic location: 22q12.1.
Variant type: single nucleotide variant.
Coding change: c.1330G>T on transcript NM_022081.6 (MANE Select); coding-DNA position 1330, G replaced by T.
Protein change: p.Glu444Ter; replaces glutamic acid 444 with a stop codon.
Molecular consequence: nonsense. On other transcripts: non-coding transcript variant (8).
Genome position (GRCh38, 1-based): chr22:26,464,300, C>A on the plus strand (G>T on the coding strand, the complement: HPS4 is on the minus strand). VCF-style: chr22-26464300-C-A. GRCh37 (hg19) VCF-style: chr22-26860266-C-A.
Other names: c.1330G>T, p.Glu444Ter (NM_001349896.1, NM_001349898.2, NM_001349899.2 and 5 more transcripts); c.1384G>T, p.Glu462Ter (NM_001349900.2, NM_001349901.1); c.1315G>T, p.Glu439Ter (NM_152841.2); short protein forms E439*, E444*, E462*.
Identifiers: ClinVar variation 2676125 (VCV002676125.4), dbSNP rs774979651, ClinGen allele CA411027285.